The following is an entry in ClinVar:

ClinVar aggregate classification (germline): Uncertain significance (1 of 4 stars; one submission).

Conditions:
POLD1-related polyposis and colorectal cancer syndrome (CRCS10). Also called: COLORECTAL CANCER, SUSCEPTIBILITY TO, ON CHROMOSOME 19q; Colorectal cancer 10; Colorectal cancer, susceptibility to, 10. Identifiers: Orphanet 220460, MedGen C2675481, MONDO:0012953, OMIM 612591.

Submission:

Labcorp Genetics (formerly Invitae), Labcorp
Classification: Uncertain significance for POLD1-related polyposis and colorectal cancer syndrome. Last evaluated: 2025-12-06. Review status: criteria provided, single submitter. Criteria: Invitae Variant Classification Sherloc (09022015). Collection method: clinical testing. Allele origin: germline.
Comment: This sequence change replaces tyrosine, which is neutral and polar, with asparagine, which is neutral and polar, at codon 517 of the POLD1 protein (p.Tyr517Asn). This variant is not present in population databases (gnomAD no frequency). This variant has not been reported in the literature in individuals affected with POLD1-related conditions. Invitae Evidence Modeling of protein sequence and biophysical properties (such as structural, functional, and spatial information, amino acid conservation, physicochemical variation, residue mobility, and thermodynamic stability) indicates that this missense variant is not expected to disrupt POLD1 protein function with a negative predictive value of 80%. In summary, the available evidence is currently insufficient to determine the role of this variant in disease. Therefore, it has been classified as a Variant of Uncertain Significance.

NM_002691.4(POLD1):c.1549T>A (p.Tyr517Asn)

Gene: POLD1 (DNA polymerase delta 1, catalytic subunit; plus strand). Cytogenetic location: 19q13.33.
Variant type: single nucleotide variant.
Coding change: c.1549T>A on transcript NM_002691.4 (MANE Select); coding-DNA position 1549, T replaced by A.
Protein change: p.Tyr517Asn; replaces tyrosine 517 with asparagine.
Molecular consequence: missense variant. On other transcripts: non-coding transcript variant (1).
Genome position (GRCh38, 1-based): chr19:50,407,037, T>A. VCF-style: chr19-50407037-T-A. GRCh37 (hg19) VCF-style: chr19-50910294-T-A.
Other names: c.1549T>A, p.Tyr517Asn (NM_001256849.1, NM_001308632.1, NM_001438210.1 and 3 more transcripts); short protein forms Y517N.
Identifiers: ClinVar variation 4806531 (VCV004806531.1).